The following is an entry in ClinVar:

ClinVar aggregate classification (germline): Uncertain significance. Review status: criteria provided, multiple submitters, no conflicts (2 of 4 stars). 3 submissions from 3 submitters: Uncertain significance (3). Last evaluated 2026-04-30.

Conditions:
Very long chain acyl-CoA dehydrogenase deficiency (ACADVLD). Also called: Very Long-Chain Acyl-Coenzyme A Dehydrogenase Deficiency; VLCAD Deficiency. Identifiers: Orphanet 26793, MedGen C3887523, MONDO:0008723, OMIM 201475.

Allele frequency attached by ClinVar (database versions not stated): gnomAD 0.00001; TOPMed 0.00002.

Submissions (3):

Myriad Genetics, Inc.
Classification: Uncertain significance for Very long chain acyl-CoA dehydrogenase deficiency. Last evaluated: 2026-04-30. Review status: criteria provided, single submitter. Criteria: Myriad Autosomal Dominant, Autosomal Recessive and X-Linked Classification Criteria (2023). Collection method: clinical testing. Allele origin: unknown.
Comment: NM_000018.3(ACADVL):c.1913C>T(S638F) is a missense variant classified as a variant of uncertain significance in the context of very-long-chain acyl-CoA dehydrogenase deficiency. S638F has been observed in a case with relevant disease (PMID: 27590926, 41257776). Relevant functional assessments of this variant are not available in the literature. S638F has not been observed in referenced population frequency databases. In summary, there is insufficient evidence to classify NM_000018.3(ACADVL):c.1913C>T(S638F) as pathogenic or benign. Please note: this variant was assessed in the context of healthy population screening.

ARUP Laboratories, Molecular Genetics and Genomics, ARUP Laboratories
Classification: Uncertain significance for Very long chain acyl-CoA dehydrogenase deficiency. Last evaluated: 2023-11-29. Review status: criteria provided, single submitter. Criteria: ARUP Molecular Germline Variant Investigation Process 2024. Collection method: clinical testing. Allele origin: germline.
Comment: The ACADVL c.1913C>T; p.Ser638Phe variant (rs1210477732), to our knowledge, is not reported in the medical literature but is reported in ClinVar (Variation ID: 1408497). This variant is absent from the Genome Aggregation Database (v2.1.1), indicating it is not a common polymorphism. Computational analyses predict that this variant is deleterious (REVEL: 0.81). Due to limited information, the clinical significance of this variant is uncertain at this time.

Labcorp Genetics (formerly Invitae), Labcorp
Classification: Uncertain significance for Very long chain acyl-CoA dehydrogenase deficiency. Last evaluated: 2021-11-06. Review status: criteria provided, single submitter. Criteria: Invitae Variant Classification Sherloc (09022015). Collection method: clinical testing. Allele origin: germline.
Comment: In summary, the available evidence is currently insufficient to determine the role of this variant in disease. Therefore, it has been classified as a Variant of Uncertain Significance. Algorithms developed to predict the effect of missense changes on protein structure and function are either unavailable or do not agree on the potential impact of this missense change (SIFT: "Deleterious"; PolyPhen-2: "Benign"; Align-GVGD: "Class C15"). This variant has not been reported in the literature in individuals affected with ACADVL-related conditions. This variant is not present in population databases (gnomAD no frequency). This sequence change replaces serine, which is neutral and polar, with phenylalanine, which is neutral and non-polar, at codon 638 of the ACADVL protein (p.Ser638Phe).

Literature cited by the submitters: PubMed 27590926 (cited by Myriad Genetics, Inc.); PubMed 41257776 (cited by Myriad Genetics, Inc.).

NM_000018.4(ACADVL):c.1913C>T (p.Ser638Phe)

Gene: ACADVL (acyl-CoA dehydrogenase very long chain; plus strand). Cytogenetic location: 17p13.1.
Variant type: single nucleotide variant.
Coding change: c.1913C>T on transcript NM_000018.4 (MANE Select); coding-DNA position 1913, C replaced by T.
Protein change: p.Ser638Phe; replaces serine 638 with phenylalanine.
Molecular consequence: missense variant.
Genome position (GRCh38, 1-based): chr17:7,225,042, C>T. VCF-style: chr17-7225042-C-T. GRCh37 (hg19) VCF-style: chr17-7128361-C-T.
Other names: c.1847C>T, p.Ser616Phe (NM_001033859.3); c.1982C>T, p.Ser661Phe (NM_001270447.2); c.1685C>T, p.Ser562Phe (NM_001270448.2); short protein forms S616F, S562F, S638F, S661F.
Identifiers: ClinVar variation 1408497 (VCV001408497.7), dbSNP rs1210477732, ClinGen allele CA397726169.
Genomic context (GRCh38, chr17:7,225,042, plus strand): 5'-TGGCCGCCCTGCAGTCTGACCCCTGGCAGCAAGAGCTCTACCGCAACTTCAAAAGCATCT[C>T]CAAGGCCTTGGTGGAGCGGGGTGGTGTGGTCACCAGCAACCCACTTGGCTTCTGAATACT-3'
Protein context (NP_000009.1, residues 628-648): QELYRNFKSI[Ser638Phe]KALVERGGVV